The following is an entry in ClinVar:

NM_022124.6(CDH23):c.5660C>T (p.Thr1887Ile)

Gene: CDH23 (cadherin related 23; plus strand). Cytogenetic location: 10q22.1.
Variant type: single nucleotide variant.
Coding change: c.5660C>T on transcript NM_022124.6 (MANE Select); coding-DNA position 5660, C replaced by T.
Protein change: p.Thr1887Ile; replaces threonine 1887 with isoleucine.
Molecular consequence: missense variant.
Genome position (GRCh38, 1-based): chr10:71,785,048, C>T. VCF-style: chr10-71785048-C-T. GRCh37 (hg19) VCF-style: chr10-73544805-C-T.
Other names: short protein forms T1887I.
Identifiers: ClinVar variation 45987 (VCV000045987.66), dbSNP rs397517340, ClinGen allele CA137502.

ClinVar aggregate classification (germline): Benign/Likely benign. Review status: criteria provided, multiple submitters, no conflicts (2 of 4 stars). 12 submissions from 11 submitters: Benign (7); Likely benign (2). 3 of the submissions do not count toward it. Last evaluated 2026-02-01.

Conditions:
CDH23-related disorder. Also called: CDH23-related condition; CDH23-related disorders.
Usher syndrome. Also called: Usher Syndromes; Usher's syndrome. Identifiers: Orphanet 886, MedGen CN469326, MeSH D052245, MONDO:0019501. Disease mechanism: loss of function.
Inborn genetic diseases. Identifiers: MedGen C0950123, MeSH D030342.
Usher syndrome type 1 (USH1). Also called: RETINITIS PIGMENTOSA AND CONGENITAL DEAFNESS. Identifiers: Orphanet 231169, Orphanet 886, MedGen C1568247, MONDO:0010168, OMIM 276900.
Autosomal recessive nonsyndromic hearing loss 12. Also called: DEAFNESS, AUTOSOMAL RECESSIVE 12. Identifiers: Orphanet 90636, MedGen C1832394, MONDO:0011067, OMIM 601386.
Usher syndrome type 1D (USH1D). Also called: USHER SYNDROME, TYPE ID. Identifiers: Orphanet 231169, Orphanet 886, MedGen C1832845, MONDO:0010984, OMIM 601067.

Allele frequency attached by ClinVar (database versions not stated): gnomAD 0.00003 and 0.00098; TOPMed 0.00017; gnomAD exomes 0.00323; 1000 Genomes Project 0.00359; ExAC 0.00361; 1000 Genomes Project 30x 0.00375.
gnomAD v4.1: 2,520 of 1,614,108 alleles (0.16%); highest among the groups gnomAD compares: South Asian, 2.6%; 67 homozygotes.

Submissions (12):

CeGaT Center for Human Genetics Tuebingen
Classification: Benign. Last evaluated: 2026-02-01. Review status: criteria provided, single submitter. Criteria: CeGaT Center For Human Genetics Tuebingen Variant Classification Criteria Version 2. Collection method: clinical testing. Allele origin: germline. Affected: yes. Observed: 2 variant alleles.
Comment: CDH23: BS1, BS2

Labcorp Genetics (formerly Invitae), Labcorp
Classification: Benign. Last evaluated: 2026-01-26. Review status: criteria provided, single submitter. Criteria: Invitae Variant Classification Sherloc (09022015). Collection method: clinical testing. Allele origin: germline.

Women's Health and Genetics/Laboratory Corporation of America, LabCorp
Classification: Benign. Last evaluated: 2025-12-01. Review status: criteria provided, single submitter. Criteria: LabCorp Variant Classification Summary - May 2015. Collection method: clinical testing. Allele origin: germline.
Comment: Variant summary: CDH23 c.5660C>T (p.Thr1887Ile) results in a non-conservative amino acid change in the encoded protein sequence. Algorithms developed to predict the effect of missense changes on protein structure and function are either unavailable or do not agree on the potential impact of this missense change. The variant allele was found at a frequency of 0.0032 in 249252 control chromosomes, predominantly at a frequency of 0.026 within the South Asian subpopulation in the gnomAD database, including 25 homozygotes. The observed variant frequency within South Asian control individuals in the gnomAD database exceeds the estimated maximal expected allele frequency for disease-causing variants in CDH23. c.5660C>T has been observed in the simple heterozygous state in at least 3 individual(s) affected with nonsyndromic deafness, without strong evidence for causality and/or alternate causes for disease in other genes (example, Ganapathy_2014, Vanniya_2018, Vanniya_2022, Shearer_2013). In at least one family, the variant did not segregate with disease across affected individuals. These report(s) do not provide unequivocal conclusions about association of the variant with Usher Syndrome. To our knowledge, no experimental evidence demonstrating an impact on protein function has been reported. The following publications have been ascertained in the context of this evaluation (PMID: 26496030, 19888295, 22135276, 30245029, 35186384, 24416283, 33796225, 29148562, 26186295, 12075507, 34374074, 23804846). ClinVar contains an entry for this variant (Variation ID: 45987). Based on the evidence outlined above, the variant was classified as benign.

Blueprint Genetics
Classification: Likely benign. Last evaluated: 2024-11-21. Review status: criteria provided, single submitter. Criteria: ACMG Guidelines, 2015. Collection method: clinical testing. Allele origin: germline.

Ambry Genetics
Classification: Benign for Inborn genetic diseases. Last evaluated: 2024-04-05. Review status: criteria provided, single submitter. Criteria: Ambry Variant Classification Scheme 2023. Collection method: clinical testing. Allele origin: germline.

GeneDx
Classification: Benign. Last evaluated: 2020-07-14. Review status: criteria provided, single submitter. Criteria: GeneDx Variant Classification Process June 2021. Collection method: clinical testing. Allele origin: germline. Affected: yes.
Comment: This variant is associated with the following publications: (PMID: 24416283, 30245029, 29148562)

Illumina Laboratory Services, Illumina
Classification: Likely benign for Autosomal recessive nonsyndromic hearing loss 12. Last evaluated: 2017-05-23. Review status: criteria provided, single submitter. Criteria: ICSL Variant Classification Criteria 13 December 2019. Collection method: clinical testing. Allele origin: germline.
Comment: This variant was observed as part of a predisposition screen in an ostensibly healthy population. A literature search was performed for the gene, cDNA change, and amino acid change (where applicable). Publications were found based on this search. The evidence from the literature, in combination with allele frequency data from public databases where available, was sufficient to determine this variant is unlikely to cause disease. Therefore, this variant is classified as likely benign.

Illumina Laboratory Services, Illumina
Classification: Benign for Usher syndrome type 1D. Last evaluated: 2017-05-23. Review status: criteria provided, single submitter. Criteria: ICSL Variant Classification Criteria 13 December 2019. Collection method: clinical testing. Allele origin: germline.
Comment: This variant was observed as part of a predisposition screen in an ostensibly healthy population. A literature search was performed for the gene, cDNA change, and amino acid change (where applicable). No publications were found based on this search. Allele frequency data from public databases was too high to be consistent with this variant causing disease. Therefore, this variant is classified as benign.

Laboratory for Molecular Medicine, Mass General Brigham Personalized Medicine
Classification: Benign. Last evaluated: 2016-07-19. Review status: criteria provided, single submitter. Criteria: LMM Criteria. Collection method: clinical testing. Allele origin: germline. Observed: 10 variant alleles.
Comment: p.Thr1887Ile in exon 43 of CDH23: This variant is not expected to have clinical significance because it has been identified in 2.6% (431/16512) of South Asian c hromosomes by the Exome Aggregation Consortium (ExAC .org; dbSNP rs397517340).

Natera, Inc.
Classification: Benign for Usher syndrome type 1. Last evaluated: 2020-04-16. Review status: no assertion criteria provided. Collection method: clinical testing. Allele origin: germline. Not counted in ClinVar's aggregate classification.

PreventionGenetics, part of Exact Sciences
Classification: Benign for CDH23-related condition. Last evaluated: 2019-06-04. Review status: no assertion criteria provided. Collection method: clinical testing. Allele origin: germline. Not counted in ClinVar's aggregate classification.
Comment: This variant is classified as benign based on ACMG/AMP sequence variant interpretation guidelines (Richards et al. 2015 PMID: 25741868, with internal and published modifications).

SN ONGC Dept of Genetics and Molecular biology Vision Research Foundation
Classification: Likely pathogenic for Usher syndrome. Last evaluated: 2022-12-31. Review status: flagged submission. Criteria: ACMG Guidelines, 2015. Collection method: research. Allele origin: unknown. Affected: yes. Observed: 1 variant allele, 1 heterozygote. Not counted in ClinVar's aggregate classification.
ClinVar note: Reason: Outlier claim with insufficient supporting evidence

Literature cited by the submitters: PubMed 12075507 (cited by Women's Health and Genetics/Laboratory Corporation of America, LabCorp and Laboratory for Molecular Medicine, Mass General Brigham Personalized Medicine); PubMed 22135276 (cited by Women's Health and Genetics/Laboratory Corporation of America, LabCorp); PubMed 29148562 (cited by Women's Health and Genetics/Laboratory Corporation of America, LabCorp); PubMed 30245029 (cited by Women's Health and Genetics/Laboratory Corporation of America, LabCorp); PubMed 24416283 (cited by Women's Health and Genetics/Laboratory Corporation of America, LabCorp and Illumina Laboratory Services, Illumina); PubMed 23804846 (cited by Women's Health and Genetics/Laboratory Corporation of America, LabCorp); PubMed 19888295 (cited by Women's Health and Genetics/Laboratory Corporation of America, LabCorp); PubMed 35186384 (cited by Women's Health and Genetics/Laboratory Corporation of America, LabCorp); PubMed 33796225 (cited by Women's Health and Genetics/Laboratory Corporation of America, LabCorp); PubMed 26496030 (cited by Women's Health and Genetics/Laboratory Corporation of America, LabCorp); PubMed 26186295 (cited by Women's Health and Genetics/Laboratory Corporation of America, LabCorp); PubMed 34374074 (cited by Women's Health and Genetics/Laboratory Corporation of America, LabCorp).